The following is an entry in ClinVar:

NM_000090.4(COL3A1):c.1577G>A (p.Arg526Lys)

Gene: COL3A1 (collagen type III alpha 1 chain; plus strand). Cytogenetic location: 2q32.2.
Variant type: single nucleotide variant.
Coding change: c.1577G>A on transcript NM_000090.4 (MANE Select); coding-DNA position 1577, G replaced by A.
Protein change: p.Arg526Lys; replaces arginine 526 with lysine.
Molecular consequence: missense variant.
Genome position (GRCh38, 1-based): chr2:188,995,759, G>A. VCF-style: chr2-188995759-G-A. GRCh37 (hg19) VCF-style: chr2-189860485-G-A.
Other names: short protein forms R526K.
Identifiers: ClinVar variation 3073502 (VCV003073502.1), dbSNP rs2469132972, ClinGen allele CA349852211.

ClinVar aggregate classification (germline): Uncertain significance (1 of 4 stars; one submission).

Conditions:
Ehlers-Danlos syndrome, type 4 (EDSVASC). Also called: Ehlers-Danlos Syndrome Type IV; Ehlers-Danlos syndrome vascular type; Ehlers Danlos syndrome, ecchymotic type; Ehlers Danlos syndrome, arterial type; Ehlers Danlos syndrome, Sack-Barabas type. Identifiers: Orphanet 286, MedGen C0268338, MONDO:0017314, OMIM 130050.

Submission:

All of Us Research Program, National Institutes of Health
Classification: Uncertain significance for Ehlers-Danlos syndrome, type 4. Last evaluated: 2023-09-17. Review status: criteria provided, single submitter. Criteria: ACMG Guidelines, 2015. Collection method: clinical testing. Allele origin: germline. Inheritance: Autosomal dominant inheritance. Observed: 1 variant allele, 1 heterozygote.
Comment: This missense variant replaces arginine with lysine at codon 526 of the COL3A1 protein. Computational prediction is inconclusive regarding the impact of this variant on protein structure and function (internally defined REVEL score threshold 0.5 < inconclusive < 0.7, PMID: 27666373). To our knowledge, functional studies have not been reported for this variant. This variant has not been reported in individuals affected with COL3A1-related disorders in the literature. This variant has not been identified in the general population by the Genome Aggregation Database (gnomAD). The available evidence is insufficient to determine the role of this variant in disease conclusively. Therefore, this variant is classified as a Variant of Uncertain Significance.

This study involves interpretation of variants in research participants for the purpose of population health screening. Participant phenotype was not available at the time of variant classification. Additional details can be found in publication PMID: 35346344, PMCID: PMC8962531